The following is an entry in ClinVar:

NM_001005242.3(PKP2):c.2404del (p.Ser802fs)

Gene: PKP2 (plakophilin 2; minus strand). Cytogenetic location: 12p11.21.
Variant type: Deletion.
Coding change: c.2404del on transcript NM_001005242.3 (MANE Select); coding-DNA position 2404, one base deleted (T; older notation c.2404delT).
Protein change: p.Ser802fs; shifts the reading frame from serine 802.
Molecular consequence: frameshift variant.
Genome position (GRCh38, 1-based): chr12:32,792,685, A deleted on the plus strand (T on the coding strand, the reverse complement: PKP2 is on the minus strand); the first of 2 consecutive A bases (chr12:32,792,685-32,792,686); deleting either gives the same sequence. VCF-style (leftmost placement, unchanged base first): chr12-32792684-GA-G. GRCh37 (hg19) VCF-style: chr12-32945618-GA-G.
Other names: c.2214del, p.Leu739fs (NM_001407155.1); c.2239del, p.Ser747fs (NM_001407156.1); c.2077del, p.Ser693fs (NM_001407158.1, NM_001407159.1); c.1887del, p.Leu630fs (NM_001407160.1); c.2536del, p.Ser846fs (NM_004572.4); short protein forms L630fs, S846fs, S693fs, L739fs, S747fs, S802fs.
Identifiers: ClinVar variation 2839118 (VCV002839118.3), dbSNP rs2541184794, ClinGen allele CA2739271929.

ClinVar aggregate classification (germline): Pathogenic (1 of 4 stars; one submission).

Conditions:
Arrhythmogenic right ventricular dysplasia 9 (ARVD9). Also called: Arrhythmogenic Right Ventricular Dysplasia/Cardiomyopathy 9; ARRHYTHMOGENIC RIGHT VENTRICULAR DYSPLASIA, FAMILIAL, 9. Identifiers: MedGen C1836906, MONDO:0012180, OMIM 609040.

Submission:

Labcorp Genetics (formerly Invitae), Labcorp
Classification: Pathogenic for Arrhythmogenic right ventricular dysplasia 9. Last evaluated: 2024-12-08. Review status: criteria provided, single submitter. Criteria: Invitae Variant Classification Sherloc (09022015). Collection method: clinical testing. Allele origin: germline.
Comment: This sequence change results in a frameshift in the PKP2 gene (p.Ser846Leufs*85). While this is not anticipated to result in nonsense mediated decay, it is expected to disrupt the last 36 amino acid(s) of the PKP2 protein and extend the protein by 48 additional amino acid residues. This variant is not present in population databases (gnomAD no frequency). This variant has not been reported in the literature in individuals affected with PKP2-related conditions. ClinVar contains an entry for this variant (Variation ID: 2839118). This variant results in an extension of the PKP2 protein. Other variant(s) that result in a similarly extended protein product (p.Glu852Asnfs*79) have been determined to be pathogenic (PMID: 19427443, 24125834; internal data). This suggests that these extensions are likely to be disease-causing. For these reasons, this variant has been classified as Pathogenic.

Literature cited by the submitters: PubMed 19427443; PubMed 24125834.